The following is an entry in ClinVar:

NM_032811.3(FYRD1):c.261T>G (p.Thr87=)

Gene: FYRD1 (FYRN and FYRC domains INO80 complex interactor 1; plus strand). Cytogenetic location: 11q24.2.
Variant type: single nucleotide variant.
Coding change: c.261T>G on transcript NM_032811.3 (MANE Select); coding-DNA position 261, T replaced by G.
Protein change: p.Thr87=; no amino-acid change (threonine 87 retained).
Molecular consequence: synonymous variant. On other transcripts: non-coding transcript variant (1).
Genome position (GRCh38, 1-based): chr11:124,625,710, T>G. VCF-style: chr11-124625710-T-G. GRCh37 (hg19) VCF-style: chr11-124495606-T-G.
Identifiers: ClinVar variation 2642497 (VCV002642497.24), dbSNP rs200858288, ClinGen allele CA6340901.

ClinVar aggregate classification (germline): Likely benign (1 of 4 stars; one submission).

Allele frequency attached by ClinVar (database versions not stated): TOPMed 0.00005; gnomAD 0.00006; ExAC 0.00017.
gnomAD v4.1: 129 of 1,554,048 alleles (0.0083%); highest among the groups gnomAD compares: Non-Finnish European, 0.011%; no homozygotes.

Submission:

CeGaT Center for Human Genetics Tuebingen
Classification: Likely benign. Last evaluated: 2022-03-01. Review status: criteria provided, single submitter. Criteria: CeGaT Center For Human Genetics Tuebingen Variant Classification Criteria Version 2. Collection method: clinical testing. Allele origin: germline. Affected: yes. Observed: 1 variant allele.
Comment: TBRG1: BP4, BP7